The following is an entry in ClinVar:

NM_001174150.2(ARL13B):c.884A>G (p.His295Arg)

Gene: ARL13B (ARF like GTPase 13B; plus strand). Cytogenetic location: 3q11.2.
Variant type: single nucleotide variant.
Coding change: c.884A>G on transcript NM_001174150.2 (MANE Select); coding-DNA position 884, A replaced by G.
Protein change: p.His295Arg; replaces histidine 295 with arginine.
Molecular consequence: missense variant. On other transcripts: non-coding transcript variant (2).
Genome position (GRCh38, 1-based): chr3:94,043,100, A>G. VCF-style: chr3-94043100-A-G. GRCh37 (hg19) VCF-style: chr3-93761944-A-G.
Other names: c.575A>G, p.His192Arg (NM_001174151.2); c.839A>G, p.His280Arg (NM_001321328.2); c.563A>G, p.His188Arg (NM_144996.4); c.884A>G, p.His295Arg (NM_182896.3); short protein forms H295R, H192R, H188R, H280R.
Identifiers: ClinVar variation 934605 (VCV000934605.4), dbSNP rs2076891307, ClinGen allele CA353679003.

ClinVar aggregate classification (germline): Uncertain significance (1 of 4 stars; one submission).

Conditions:
Joubert syndrome 8 (JBTS8). Identifiers: Orphanet 475, MedGen C2676771, MONDO:0012855, OMIM 612291.

Allele frequency attached by ClinVar (database versions not stated): gnomAD exomes below 0.00001.
gnomAD v4.1: 1 of 1,613,794 alleles (0.000062%); highest among the groups gnomAD compares: Non-Finnish European, 0.000085%; no homozygotes.

Submission:

Labcorp Genetics (formerly Invitae), Labcorp
Classification: Uncertain significance for Joubert syndrome 8. Last evaluated: 2022-08-23. Review status: criteria provided, single submitter. Criteria: Invitae Variant Classification Sherloc (09022015). Collection method: clinical testing. Allele origin: germline.
Comment: This sequence change replaces histidine, which is basic and polar, with arginine, which is basic and polar, at codon 295 of the ARL13B protein (p.His295Arg). This variant is not present in population databases (gnomAD no frequency). This variant has not been reported in the literature in individuals affected with ARL13B-related conditions. ClinVar contains an entry for this variant (Variation ID: 934605). Algorithms developed to predict the effect of missense changes on protein structure and function output the following: SIFT: "Tolerated"; PolyPhen-2: "Benign"; Align-GVGD: "Class C0". The arginine amino acid residue is found in multiple mammalian species, which suggests that this missense change does not adversely affect protein function. Algorithms developed to predict the effect of sequence changes on RNA splicing suggest that this variant may create or strengthen a splice site. In summary, the available evidence is currently insufficient to determine the role of this variant in disease. Therefore, it has been classified as a Variant of Uncertain Significance.